The following is an entry in ClinVar:

ClinVar aggregate classification (germline): Uncertain significance (1 of 4 stars; one submission).

Conditions:
46,XY sex reversal 9 (SRXY9). Also called: 46,XY SEX REVERSAL, ZFPM2-RELATED. Identifiers: Orphanet 251510, MedGen C4015129, MONDO:0014480, OMIM 616067.

Allele frequency attached by ClinVar (database versions not stated): ExAC 0.00001; gnomAD 0.00004; TOPMed 0.00004; gnomAD exomes 0.00009; ESP Exome Variant Server 0.00017.
gnomAD v4.1: 146 of 1,613,444 alleles (0.009%); highest among the groups gnomAD compares: Non-Finnish European, 0.012%; no homozygotes.

Submission:

Labcorp Genetics (formerly Invitae), Labcorp
Classification: Uncertain significance for 46,XY sex reversal 9. Last evaluated: 2024-01-02. Review status: criteria provided, single submitter. Criteria: Invitae Variant Classification Sherloc (09022015). Collection method: clinical testing. Allele origin: germline.
Comment: This sequence change replaces glutamine, which is neutral and polar, with glutamic acid, which is acidic and polar, at codon 1100 of the ZFPM2 protein (p.Gln1100Glu). This variant is present in population databases (rs199678497, gnomAD 0.006%). This variant has not been reported in the literature in individuals affected with ZFPM2-related conditions. An algorithm developed to predict the effect of missense changes on protein structure and function (PolyPhen-2) suggests that this variant is likely to be tolerated. In summary, the available evidence is currently insufficient to determine the role of this variant in disease. Therefore, it has been classified as a Variant of Uncertain Significance.

NM_012082.4(ZFPM2):c.3298C>G (p.Gln1100Glu)

Genes: ZFPM2 (zinc finger protein, FOG family member 2; plus strand), ZFPM2-AS1 (ZFPM2 antisense RNA 1; minus strand), LOC126860469 (BRD4-independent group 4 enhancer GRCh37_chr8:106814445-106815644; plus strand). Cytogenetic location: 8q23.1.
Variant type: single nucleotide variant.
Coding change: c.3298C>G on transcript NM_012082.4 (MANE Select); coding-DNA position 3298, C replaced by G.
Protein change: p.Gln1100Glu; replaces glutamine 1100 with glutamic acid.
Molecular consequence: missense variant.
Genome position (GRCh38, 1-based): chr8:105,803,380, C>G. VCF-style: chr8-105803380-C-G. GRCh37 (hg19) VCF-style: chr8-106815608-C-G.
Other names: c.3139C>G, p.Gln1047Glu (NM_001362836.2); c.2902C>G, p.Gln968Glu (NM_001362837.2); short protein forms Q968E, Q1100E, Q1047E.
Identifiers: ClinVar variation 2904854 (VCV002904854.3), dbSNP rs199678497, ClinGen allele CA4840048.